The following is an entry in ClinVar:

ClinVar aggregate classification (germline): Likely benign (1 of 4 stars; one submission).

Allele frequency attached by ClinVar (database versions not stated): 1000 Genomes Project 0.00100; ESP Exome Variant Server 0.00122; 1000 Genomes Project 30x 0.00125; TOPMed 0.00129; gnomAD exomes 0.00165; ExAC 0.00443.
gnomAD v4.1: 2,568 of 1,551,134 alleles (0.17%); highest among the groups gnomAD compares: Middle Eastern, 1%; 21 homozygotes.

Submission:

CeGaT Center for Human Genetics Tuebingen
Classification: Likely benign. Last evaluated: 2023-03-01. Review status: criteria provided, single submitter. Criteria: CeGaT Center For Human Genetics Tuebingen Variant Classification Criteria Version 2. Collection method: clinical testing. Allele origin: germline. Affected: yes. Observed: 1 variant allele.
Comment: SCAMP4: BS2

NM_079834.4(SCAMP4):c.482C>T (p.Ser161Leu)

Gene: SCAMP4 (secretory carrier membrane protein 4; plus strand). Cytogenetic location: 19p13.3.
Variant type: single nucleotide variant.
Coding change: c.482C>T on transcript NM_079834.4 (MANE Select); coding-DNA position 482, C replaced by T.
Protein change: p.Ser161Leu; replaces serine 161 with leucine.
Molecular consequence: missense variant.
Genome position (GRCh38, 1-based): chr19:1,923,156, C>T. VCF-style: chr19-1923156-C-T. GRCh37 (hg19) VCF-style: chr19-1923155-C-T.
Other names: c.350C>T, p.Ser117Leu (NM_001329539.2); c.380C>T, p.Ser127Leu (NM_001329540.2); short protein forms S117L, S127L, S161L.
Identifiers: ClinVar variation 2648952 (VCV002648952.24), dbSNP rs201575102, ClinGen allele CA9054991.